The following is an entry in ClinVar:

ClinVar aggregate classification (germline): Likely benign. Review status: criteria provided, single submitter (1 of 4 stars). 2 submissions from 2 submitters: Likely benign (1). 1 of the submissions does not count toward it. Last evaluated 2018-07-05.

Conditions:
RREB1-related disorder. Also called: RREB1-related condition.

Allele frequency attached by ClinVar (database versions not stated): TOPMed 0.00005; 1000 Genomes Project 0.00120; 1000 Genomes Project 30x 0.00141.
gnomAD v4.1: 508 of 1,610,272 alleles (0.032%); highest among the groups gnomAD compares: South Asian, 0.53%; 6 homozygotes.

Submissions (2):

Labcorp Genetics (formerly Invitae), Labcorp
Classification: Likely benign. Last evaluated: 2018-07-05. Review status: criteria provided, single submitter. Criteria: Invitae Variant Classification Sherloc (09022015). Collection method: clinical testing. Allele origin: germline.

PreventionGenetics, part of Exact Sciences
Classification: Likely benign for RREB1-related condition. Last evaluated: 2019-05-27. Review status: no assertion criteria provided. Collection method: clinical testing. Allele origin: germline. Not counted in ClinVar's aggregate classification.
Comment: This variant is classified as likely benign based on ACMG/AMP sequence variant interpretation guidelines (Richards et al. 2015 PMID: 25741868, with internal and published modifications).

NM_001003699.4(RREB1):c.1726C>T (p.Arg576Trp)

Gene: RREB1 (ras responsive element binding protein 1; plus strand). Cytogenetic location: 6p24.3.
Variant type: single nucleotide variant.
Coding change: c.1726C>T on transcript NM_001003699.4 (MANE Select); coding-DNA position 1726, C replaced by T.
Protein change: p.Arg576Trp; replaces arginine 576 with tryptophan.
Molecular consequence: missense variant.
Genome position (GRCh38, 1-based): chr6:7,229,825, C>T. VCF-style: chr6-7229825-C-T. GRCh37 (hg19) VCF-style: chr6-7230058-C-T.
Other names: c.1726C>T, p.Arg576Trp (NM_001003698.4, NM_001003700.2, NM_001168344.2); short protein forms R576W.
Identifiers: ClinVar variation 738612 (VCV000738612.5), dbSNP rs549745734, ClinGen allele CA3625633.